The following is an entry in ClinVar:

NM_006939.4(SOS2):c.780G>T (p.Leu260Phe)

Gene: SOS2 (SOS Ras/Rho guanine nucleotide exchange factor 2; minus strand). Cytogenetic location: 14q21.3.
Variant type: single nucleotide variant.
Coding change: c.780G>T on transcript NM_006939.4 (MANE Select); coding-DNA position 780, G replaced by T.
Protein change: p.Leu260Phe; replaces leucine 260 with phenylalanine.
Molecular consequence: missense variant.
Genome position (GRCh38, 1-based): chr14:50,182,541, C>A on the plus strand (G>T on the coding strand, the complement: SOS2 is on the minus strand). VCF-style: chr14-50182541-C-A. GRCh37 (hg19) VCF-style: chr14-50649259-C-A.
Other names: short protein forms L260F.
Identifiers: ClinVar variation 574513 (VCV000574513.10), dbSNP rs1348457314, ClinGen allele CA389647762.

ClinVar aggregate classification (germline): Conflicting classifications of pathogenicity. Review status: criteria provided, conflicting classifications (1 of 4 stars). 2 submissions from 2 submitters: Uncertain significance (1); Likely benign (1). Last evaluated 2025-09-04.

Conditions:
Cardiovascular phenotype. Identifiers: MedGen CN230736.
Noonan syndrome 9 (NS9). Identifiers: Orphanet 648, MedGen C4225282, MONDO:0014691, OMIM 616559.

Allele frequency attached by ClinVar (database versions not stated): gnomAD exomes below 0.00001; TOPMed below 0.00001; gnomAD 0.00001.

Submissions (2):

Ambry Genetics
Classification: Uncertain significance for Cardiovascular phenotype. Last evaluated: 2025-09-04. Review status: criteria provided, single submitter. Criteria: Ambry Variant Classification Scheme 2023. Collection method: clinical testing. Allele origin: germline.
Comment: The p.L260F variant (also known as c.780G>T), located in coding exon 6 of the SOS2 gene, results from a G to T substitution at nucleotide position 780. The leucine at codon 260 is replaced by phenylalanine, an amino acid with highly similar properties. This amino acid position is conserved. In addition, the in silico prediction for this alteration is inconclusive. Based on the available evidence, the clinical significance of this variant remains unclear.

Labcorp Genetics (formerly Invitae), Labcorp
Classification: Likely benign for Noonan syndrome 9. Last evaluated: 2025-04-23. Review status: criteria provided, single submitter. Criteria: Invitae Variant Classification Sherloc (09022015). Collection method: clinical testing. Allele origin: germline.